The following is an entry in ClinVar:

NM_024589.3(ROGDI):c.562C>G (p.Leu188Val)

Gene: ROGDI (rogdi atypical leucine zipper; minus strand). Cytogenetic location: 16p13.3.
Variant type: single nucleotide variant.
Coding change: c.562C>G on transcript NM_024589.3 (MANE Select); coding-DNA position 562, C replaced by G.
Protein change: p.Leu188Val; replaces leucine 188 with valine.
Molecular consequence: missense variant. On other transcripts: non-coding transcript variant (1).
Genome position (GRCh38, 1-based): chr16:4,798,154, G>C on the plus strand (C>G on the coding strand, the complement: ROGDI is on the minus strand). VCF-style: chr16-4798154-G-C. GRCh37 (hg19) VCF-style: chr16-4848155-G-C.
Other names: short protein forms L188V.
Identifiers: ClinVar variation 2116820 (VCV002116820.4), dbSNP rs1304248183, ClinGen allele CA394650553.

ClinVar aggregate classification (germline): Uncertain significance (1 of 4 stars; one submission).

Conditions:
Amelocerebrohypohidrotic syndrome (KTZS). Also called: Kohlschutter's syndrome; EPILEPSY AND YELLOW TEETH; EPILEPSY, DEMENTIA, AND AMELOGENESIS IMPERFECTA; KOHLSCHUTTER SYNDROME. Identifiers: Orphanet 1946, MedGen C0406740, MONDO:0009185, OMIM 226750.

Submission:

Labcorp Genetics (formerly Invitae), Labcorp
Classification: Uncertain significance for Amelocerebrohypohidrotic syndrome. Last evaluated: 2022-03-25. Review status: criteria provided, single submitter. Criteria: Invitae Variant Classification Sherloc (09022015). Collection method: clinical testing. Allele origin: germline.
Comment: This sequence change replaces leucine, which is neutral and non-polar, with valine, which is neutral and non-polar, at codon 188 of the ROGDI protein (p.Leu188Val). This variant is not present in population databases (gnomAD no frequency). This variant has not been reported in the literature in individuals affected with ROGDI-related conditions. Algorithms developed to predict the effect of missense changes on protein structure and function (SIFT, PolyPhen-2, Align-GVGD) all suggest that this variant is likely to be tolerated. In summary, the available evidence is currently insufficient to determine the role of this variant in disease. Therefore, it has been classified as a Variant of Uncertain Significance.